The following is an entry in ClinVar:

ClinVar aggregate classification (germline): Uncertain significance. Review status: criteria provided, multiple submitters, no conflicts (2 of 4 stars). 2 submissions from 2 submitters: Uncertain significance (2). Last evaluated 2026-09-01.

Allele frequency attached by ClinVar (database versions not stated): ExAC 0.00013; gnomAD 0.00017; TOPMed 0.00019; ESP Exome Variant Server 0.00023; gnomAD exomes 0.00023; 1000 Genomes Project 0.00040; 1000 Genomes Project 30x 0.00062.
gnomAD v4.1: 352 of 1,613,908 alleles (0.022%); highest among the groups gnomAD compares: Non-Finnish European, 0.027%; no homozygotes.

Submissions (3):

CeGaT Center for Human Genetics Tuebingen
Classification: Uncertain significance. Last evaluated: 2026-09-01. Review status: criteria provided, single submitter. Criteria: CeGaT Center For Human Genetics Tuebingen Variant Classification Criteria Version 2. Collection method: clinical testing. Allele origin: germline. Affected: yes. Observed: 2 variant alleles.
Comment: LTBP1: PM2, BP4

Ambry Genetics
Classification: Uncertain significance. Last evaluated: 2021-08-09. Review status: criteria provided, single submitter. Criteria: Ambry Variant Classification Scheme 2023. Collection method: clinical testing. Allele origin: germline.

Dr. Peter K. Rogan Lab, Western University
No classification provided (evidence only). Condition: Malignant tumor of urinary bladder. Review status: no classification provided. Collection method: in vitro. Allele origin: not applicable. Functional consequence: skipped exon. Not counted in ClinVar's aggregate classification.

NM_206943.4(LTBP1):c.2384C>T (p.Ala795Val)

Gene: LTBP1 (latent transforming growth factor beta binding protein 1; plus strand). Cytogenetic location: 2p22.3.
Variant type: single nucleotide variant.
Coding change: c.2384C>T on transcript NM_206943.4 (MANE Select); coding-DNA position 2384, C replaced by T.
Protein change: p.Ala795Val; replaces alanine 795 with valine.
Molecular consequence: missense variant.
Genome position (GRCh38, 1-based): chr2:33,257,500, C>T. VCF-style: chr2-33257500-C-T. GRCh37 (hg19) VCF-style: chr2-33482567-C-T.
Other names: NC_000002.11:g.33482567C>T; c.1406C>T, p.Ala469Val (NM_000627.4, NM_001166264.2, NM_001394906.1 and 8 more transcripts); c.1247C>T, p.Ala416Val (NM_001166265.2, NM_001166266.2, NM_001394913.1 and 7 more transcripts); c.2225C>T, p.Ala742Val (NM_001394905.1); c.1322C>T, p.Ala441Val (NM_001394907.1, NM_001394914.1, NM_001394915.1); c.1163C>T, p.Ala388Val (NM_001394916.1); short protein forms A441V, A416V, A742V, A795V, A388V, A469V.
Identifiers: ClinVar variation 2367478 (VCV002367478.5), dbSNP rs376550451, ClinGen allele CA1607332.